The following is an entry in ClinVar:

NM_015213.4(DENND5A):c.1210A>G (p.Lys404Glu)

Gene: DENND5A (DENN domain containing 5A; minus strand). Cytogenetic location: 11p15.4.
Variant type: single nucleotide variant.
Coding change: c.1210A>G on transcript NM_015213.4 (MANE Select); coding-DNA position 1210, A replaced by G.
Protein change: p.Lys404Glu; replaces lysine 404 with glutamic acid.
Molecular consequence: missense variant. On other transcripts: non-coding transcript variant (1).
Genome position (GRCh38, 1-based): chr11:9,181,012, T>C on the plus strand (A>G on the coding strand, the complement: DENND5A is on the minus strand). VCF-style: chr11-9181012-T-C. GRCh37 (hg19) VCF-style: chr11-9202559-T-C.
Other names: c.1210A>G, p.Lys404Glu (NM_001243254.2); c.1138A>G, p.Lys380Glu (NM_001348749.2); c.922A>G, p.Lys308Glu (NM_001348750.2); short protein forms K308E, K380E, K404E.
Identifiers: ClinVar variation 3774734 (VCV003774734.1).

ClinVar aggregate classification (germline): Uncertain significance (1 of 4 stars; one submission).

Submission:

GeneDx
Classification: Uncertain significance. Last evaluated: 2024-09-27. Review status: criteria provided, single submitter. Criteria: GeneDx Variant Classification Process June 2021. Collection method: clinical testing. Allele origin: germline. Affected: yes.
Comment: Not observed at significant frequency in large population cohorts (gnomAD); In silico analysis indicates that this missense variant does not alter protein structure/function; Has not been previously published as pathogenic or benign to our knowledge